The following is an entry in ClinVar:

ClinVar aggregate classification (germline): Uncertain significance (1 of 4 stars; one submission).

Conditions:
Episodic ataxia type 2 (EA2). Also called: ATAXIA, EPISODIC, WITH NYSTAGMUS; ATAXIA, FAMILIAL PAROXYSMAL; ACETAZOLAMIDE-RESPONSIVE HEREDITARY PAROXYSMAL CEREBELLAR ATAXIA; CEREBELLAR ATAXIA, PAROXYSMAL, ACETAZOLAMIDE-RESPONSIVE; CEREBELLOPATHY, HEREDITARY PAROXYSMAL; EPISODIC ATAXIA, NYSTAGMUS-ASSOCIATED. Identifiers: Orphanet 97, MedGen C1720416, MONDO:0007163, OMIM 108500.
Developmental and epileptic encephalopathy, 42 (DEE42A). Also called: Epileptic encephalopathy, early infantile, 42; DEVELOPMENTAL AND EPILEPTIC ENCEPHALOPATHY 42A; EPILEPTIC ENCEPHALOPATHY, EARLY INFANTILE, 42A. Identifiers: MedGen C4310716, MONDO:0014917, OMIM 617106.

Submission:

Labcorp Genetics (formerly Invitae), Labcorp
Classification: Uncertain significance for Developmental and epileptic encephalopathy, 42; Episodic ataxia type 2. Last evaluated: 2024-06-04. Review status: criteria provided, single submitter. Criteria: Invitae Variant Classification Sherloc (09022015). Collection method: clinical testing. Allele origin: germline.
Comment: This sequence change replaces glutamic acid, which is acidic and polar, with lysine, which is basic and polar, at codon 1926 of the CACNA1A protein (p.Glu1926Lys). This variant is not present in population databases (gnomAD no frequency). This variant has not been reported in the literature in individuals affected with CACNA1A-related conditions. Advanced modeling of protein sequence and biophysical properties (such as structural, functional, and spatial information, amino acid conservation, physicochemical variation, residue mobility, and thermodynamic stability) performed at Invitae indicates that this missense variant is not expected to disrupt CACNA1A protein function with a negative predictive value of 95%. In summary, the available evidence is currently insufficient to determine the role of this variant in disease. Therefore, it has been classified as a Variant of Uncertain Significance.

NM_001127222.2(CACNA1A):c.5773G>A (p.Glu1925Lys)

Gene: CACNA1A (calcium voltage-gated channel subunit alpha1 A; minus strand). Cytogenetic location: 19p13.13.
Variant type: single nucleotide variant.
Coding change: c.5773G>A on transcript NM_001127222.2 (MANE Select); coding-DNA position 5773, G replaced by A.
Protein change: p.Glu1925Lys; replaces glutamic acid 1925 with lysine.
Molecular consequence: missense variant.
Genome position (GRCh38, 1-based): chr19:13,214,567, C>T on the plus strand (G>A on the coding strand, the complement: CACNA1A is on the minus strand). VCF-style: chr19-13214567-C-T. GRCh37 (hg19) VCF-style: chr19-13325381-C-T.
Other names: c.5791G>A, p.Glu1931Lys (NM_000068.4, NM_023035.3); c.5776G>A, p.Glu1926Lys (NM_001127221.2); c.5782G>A, p.Glu1928Lys (NM_001174080.2); short protein forms E1925K, E1926K, E1928K, E1931K.
Identifiers: ClinVar variation 3754148 (VCV003754148.2).